The following is an entry in ClinVar:

NM_018192.4(P3H2):c.1328del (p.Gly443fs)

Gene: P3H2 (prolyl 3-hydroxylase 2; minus strand). Cytogenetic location: 3q28.
Variant type: Deletion.
Coding change: c.1328del on transcript NM_018192.4 (MANE Select); coding-DNA position 1328, one base deleted (G; older notation c.1328delG).
Protein change: p.Gly443fs; shifts the reading frame from glycine 443.
Molecular consequence: frameshift variant.
Genome position (GRCh38, 1-based): chr3:189,974,682, C deleted on the plus strand (G on the coding strand, the reverse complement: P3H2 is on the minus strand); the first of 2 consecutive C bases (chr3:189,974,682-189,974,683); deleting either gives the same sequence. VCF-style (leftmost placement, unchanged base first): chr3-189974681-AC-A. GRCh37 (hg19) VCF-style: chr3-189692470-AC-A.
Other names: c.785del, p.Gly262fs (NM_001134418.2); short protein forms G262fs, G443fs.
Identifiers: ClinVar variation 452529 (VCV000452529.7), dbSNP rs778079243, ClinGen allele CA2752968.

ClinVar aggregate classification (germline): Pathogenic. Review status: criteria provided, multiple submitters, no conflicts (2 of 4 stars). 2 submissions from 2 submitters: Pathogenic (2). Last evaluated 2024-03-04.

Submissions (2):

Labcorp Genetics (formerly Invitae), Labcorp
Classification: Pathogenic. Last evaluated: 2024-03-04. Review status: criteria provided, single submitter. Criteria: Invitae Variant Classification Sherloc (09022015). Collection method: clinical testing. Allele origin: germline.
Comment: This sequence change creates a premature translational stop signal (p.Gly443Valfs*17) in the P3H2 gene. It is expected to result in an absent or disrupted protein product. Loss-of-function variants in P3H2 are known to be pathogenic (PMID: 24172257, 25469533). This variant is present in population databases (rs778079243, gnomAD 0.002%). This variant has not been reported in the literature in individuals affected with P3H2-related conditions. ClinVar contains an entry for this variant (Variation ID: 452529). For these reasons, this variant has been classified as Pathogenic.

GeneDx
Classification: Pathogenic. Last evaluated: 2017-09-28. Review status: criteria provided, single submitter. Criteria: GeneDx Variant Classification (06012015). Collection method: clinical testing. Allele origin: germline. Affected: yes.
Comment: The c.1328delG variant in the P3H2 gene has not been reported previously as a pathogenic variant nor as a benign variant, to our knowledge. The c.1328delG variant causes a frameshift starting with codon Glycine 443, changes this amino acid to a Valine residue, and creates a premature Stop codon at position 17 of the new reading frame, denoted p.Gly443ValfsX17. This variant is predicted to cause loss of normal protein function either through protein truncation or nonsense-mediated mRNA decay. The c.1328delG variant is not observed at a significant frequency in large population cohorts (Lek et al., 2016). We interpret c.1328delG as a pathogenic variant.

Literature cited by the submitters: PubMed 24172257 (cited by Labcorp Genetics (formerly Invitae), Labcorp); PubMed 25469533 (cited by Labcorp Genetics (formerly Invitae), Labcorp).